The following is an entry in ClinVar:

NM_006231.4(POLE):c.3276-5C>T

Gene: POLE (DNA polymerase epsilon, catalytic subunit; minus strand). Cytogenetic location: 12q24.33.
Variant type: single nucleotide variant.
Coding change: c.3276-5C>T on transcript NM_006231.4 (MANE Select); 5 bases into the intron before coding-DNA position 3276, C replaced by T.
Molecular consequence: intron variant.
Genome position (GRCh38, 1-based): chr12:132,657,975, G>A on the plus strand (C>T on the coding strand, the complement: POLE is on the minus strand). VCF-style: chr12-132657975-G-A. GRCh37 (hg19) VCF-style: chr12-133234561-G-A.
Other names: c.3276-5C>T (NM_006231.2).
Identifiers: ClinVar variation 762474 (VCV000762474.9), dbSNP rs1293099867, ClinGen allele CA685543590.

ClinVar aggregate classification (germline): Conflicting classifications of pathogenicity. Review status: criteria provided, conflicting classifications (1 of 4 stars). 2 submissions from 2 submitters: Uncertain significance (1); Likely benign (1). Last evaluated 2025-07-14.

Conditions:
Hereditary cancer-predisposing syndrome. Also called: Tumor predisposition; Neoplastic Syndromes, Hereditary; Hereditary Cancer Syndrome; Hereditary neoplastic syndrome. Identifiers: Orphanet 140162, MedGen C0027672, MeSH D009386, MONDO:0015356.

Allele frequency attached by ClinVar (database versions not stated): gnomAD exomes below 0.00001; TOPMed below 0.00001.
gnomAD v4.1: 4 of 1,596,850 alleles (0.00025%); highest among the groups gnomAD compares: Non-Finnish European, 0.00034%; no homozygotes.

Submissions (2):

Ambry Genetics
Classification: Uncertain significance for Hereditary cancer-predisposing syndrome. Last evaluated: 2025-07-14. Review status: criteria provided, single submitter. Criteria: Ambry Variant Classification Scheme 2023. Collection method: clinical testing. Allele origin: germline.
Comment: The c.3276-5C>T intronic variant results from a C to T substitution 5 nucleotides upstream from coding exon 27 in the POLE gene. This nucleotide position is well conserved in available vertebrate species. In silico splice site analysis predicts that this alteration will not have any significant effect on splicing. Based on the available evidence, the clinical significance of this variant remains unclear.

Labcorp Genetics (formerly Invitae), Labcorp
Classification: Likely benign. Last evaluated: 2022-04-01. Review status: criteria provided, single submitter. Criteria: Invitae Variant Classification Sherloc (09022015). Collection method: clinical testing. Allele origin: germline.